The following is an entry in ClinVar:

ClinVar aggregate classification (germline): Conflicting classifications of pathogenicity. Review status: criteria provided, conflicting classifications (1 of 4 stars). 5 submissions from 5 submitters: Uncertain significance (3); Likely benign (1). 1 of the submissions does not count toward it. Last evaluated 2024-09-14.

Conditions:
Hereditary cancer-predisposing syndrome. Also called: Hereditary neoplastic syndrome; Neoplastic Syndromes, Hereditary; Tumor predisposition; Hereditary Cancer Syndrome. Identifiers: Orphanet 140162, MedGen C0027672, MeSH D009386, MONDO:0015356.
Ataxia-telangiectasia syndrome (AT). Also called: Ataxia telangiectasia (A-T); LOUIS-BAR SYNDROME; Cerebello-oculocutaneous telangiectasia; Immunodeficiency with ataxia telangiectasia; Ataxia-telangiectasia, complementation group D; AT, COMPLEMENTATION GROUP C. Identifiers: Orphanet 100, MedGen C0004135, MONDO:0008840, OMIM 208900.

Submissions (5):

Labcorp Genetics (formerly Invitae), Labcorp
Classification: Uncertain significance for Ataxia-telangiectasia syndrome. Last evaluated: 2024-09-14. Review status: criteria provided, single submitter. Criteria: Invitae Variant Classification Sherloc (09022015). Collection method: clinical testing. Allele origin: germline.
Comment: This sequence change replaces aspartic acid, which is acidic and polar, with glutamic acid, which is acidic and polar, at codon 211 of the ATM protein (p.Asp211Glu). This variant is not present in population databases (gnomAD no frequency). This variant has not been reported in the literature in individuals affected with ATM-related conditions. ClinVar contains an entry for this variant (Variation ID: 407613). An algorithm developed to predict the effect of missense changes on protein structure and function outputs the following: PolyPhen-2: "Benign". The glutamic acid amino acid residue is found in multiple mammalian species, which suggests that this missense change does not adversely affect protein function. In summary, the available evidence is currently insufficient to determine the role of this variant in disease. Therefore, it has been classified as a Variant of Uncertain Significance.

Ambry Genetics
Classification: Likely benign for Hereditary cancer-predisposing syndrome. Last evaluated: 2024-05-28. Review status: criteria provided, single submitter. Criteria: Ambry Variant Classification Scheme 2023. Collection method: clinical testing. Allele origin: germline.

GeneDx
Classification: Uncertain significance. Last evaluated: 2021-11-16. Review status: criteria provided, single submitter. Criteria: GeneDx Variant Classification Process June 2021. Collection method: clinical testing. Allele origin: germline. Affected: yes.
Comment: Not observed at significant frequency in large population cohorts (Lek et al., 2016); In silico analysis supports that this missense variant does not alter protein structure/function; Has not been previously published as pathogenic or benign to our knowledge

Women's Health and Genetics/Laboratory Corporation of America, LabCorp
Classification: Uncertain significance. Last evaluated: 2020-02-17. Review status: criteria provided, single submitter. Criteria: LabCorp Variant Classification Summary - May 2015. Collection method: clinical testing. Allele origin: germline.
Comment: Variant summary: ATM c.633C>G (p.Asp211Glu) results in a conservative amino acid change in the encoded protein sequence. Five of five in-silico tools predict a benign effect of the variant on protein function. The variant was absent in 251182 control chromosomes (gnomAD). The available data on variant occurrences in the general population are insufficient to allow any conclusion about variant significance. To our knowledge, no occurrence of c.633C>G in individuals affected with Breast Cancer and no experimental evidence demonstrating its impact on protein function have been reported. Three ClinVar submitters (evaluation after 2014) cite the variant as uncertain significance. Based on the evidence outlined above, the variant was classified as uncertain significance.

Natera, Inc.
Classification: Uncertain significance for Ataxia-telangiectasia. Last evaluated: 2020-11-04. Review status: no assertion criteria provided. Collection method: clinical testing. Allele origin: germline. Not counted in ClinVar's aggregate classification.

NM_000051.4(ATM):c.633C>G (p.Asp211Glu)

Gene: ATM (ATM serine/threonine kinase; plus strand). Cytogenetic location: 11q22.3.
Variant type: single nucleotide variant.
Coding change: c.633C>G on transcript NM_000051.4 (MANE Select); coding-DNA position 633, C replaced by G.
Protein change: p.Asp211Glu; replaces aspartic acid 211 with glutamic acid.
Molecular consequence: missense variant.
Genome position (GRCh38, 1-based): chr11:108,244,089, C>G. VCF-style: chr11-108244089-C-G. GRCh37 (hg19) VCF-style: chr11-108114816-C-G.
Other names: c.633C>G, p.Asp211Glu (NM_001351834.2); short protein forms D211E.
Identifiers: ClinVar variation 407613 (VCV000407613.22), dbSNP rs1060501634, ClinGen allele CA16612973.